The following is an entry in ClinVar:

NM_000540.3(RYR1):c.8045T>A (p.Ile2682Asn)

Gene: RYR1 (ryanodine receptor 1; plus strand). Cytogenetic location: 19q13.2.
Variant type: single nucleotide variant.
Coding change: c.8045T>A on transcript NM_000540.3 (MANE Select); coding-DNA position 8045, T replaced by A.
Protein change: p.Ile2682Asn; replaces isoleucine 2682 with asparagine.
Molecular consequence: missense variant.
Genome position (GRCh38, 1-based): chr19:38,504,338, T>A. VCF-style: chr19-38504338-T-A. GRCh37 (hg19) VCF-style: chr19-38994978-T-A.
Other names: c.8045T>A, p.Ile2682Asn (NM_001042723.2); short protein forms I2682N.
Identifiers: ClinVar variation 664420 (VCV000664420.8), dbSNP rs1387840141, ClinGen allele CA405676104.

ClinVar aggregate classification (germline): Uncertain significance (1 of 4 stars; one submission).

Conditions:
RYR1-related disorder. Also called: RYR1-related condition; RYR1-related disorders. Identifiers: MedGen CN239331.

Allele frequency attached by ClinVar (database versions not stated): gnomAD exomes below 0.00001; TOPMed below 0.00001.
gnomAD v4.1: 1 of 1,614,160 alleles (0.000062%); highest among the groups gnomAD compares: African/African-American, 0.0013%; no homozygotes.

Submission:

Labcorp Genetics (formerly Invitae), Labcorp
Classification: Uncertain significance for RYR1-related disorder. Last evaluated: 2018-12-21. Review status: criteria provided, single submitter. Criteria: Invitae Variant Classification Sherloc (09022015). Collection method: clinical testing. Allele origin: germline.
Comment: In summary, the available evidence is currently insufficient to determine the role of this variant in disease. Therefore, it has been classified as a Variant of Uncertain Significance. This sequence change replaces isoleucine with asparagine at codon 2682 of the RYR1 protein (p.Ile2682Asn). The isoleucine residue is highly conserved and there is a large physicochemical difference between isoleucine and asparagine. This variant is not present in population databases (ExAC no frequency). This variant has not been reported in the literature in individuals with RYR1-related conditions. Algorithms developed to predict the effect of missense changes on protein structure and function are either unavailable or do not agree on the potential impact of this missense change (SIFT: "Deleterious"; PolyPhen-2: "Benign"; Align-GVGD: "Class C0").